The following is an entry in ClinVar:

ClinVar aggregate classification (germline): Uncertain significance. Review status: criteria provided, multiple submitters, no conflicts (2 of 4 stars). 3 submissions from 3 submitters: Uncertain significance (3). Last evaluated 2025-04-02.

Conditions:
Hereditary cancer-predisposing syndrome. Also called: Hereditary Cancer Syndrome; Neoplastic Syndromes, Hereditary; Tumor predisposition; Hereditary neoplastic syndrome. Identifiers: Orphanet 140162, MedGen C0027672, MeSH D009386, MONDO:0015356.
Familial cancer of breast. Also called: Hereditary breast cancer; BREAST CANCER, FAMILIAL; hereditary breast carcinoma. Identifiers: Orphanet 227535, MedGen C0346153, MONDO:0016419, OMIM 114480. Disease mechanism: loss of function.

Allele frequency attached by ClinVar (database versions not stated): gnomAD exomes below 0.00001.
gnomAD v4.1: 1 of 1,612,138 alleles (0.000062%); highest among the groups gnomAD compares: South Asian, 0.0011%; no homozygotes.

Submissions (3):

Labcorp Genetics (formerly Invitae), Labcorp
Classification: Uncertain significance for Familial cancer of breast. Last evaluated: 2025-04-02. Review status: criteria provided, single submitter. Criteria: Invitae Variant Classification Sherloc (09022015). Collection method: clinical testing. Allele origin: germline.
Comment: This sequence change replaces glycine, which is neutral and non-polar, with valine, which is neutral and non-polar, at codon 342 of the CHEK2 protein (p.Gly342Val). This variant is not present in population databases (gnomAD no frequency). This variant has not been reported in the literature in individuals affected with CHEK2-related conditions. ClinVar contains an entry for this variant (Variation ID: 489869). An algorithm developed to predict the effect of missense changes on protein structure and function (PolyPhen-2) suggests that this variant is likely to be disruptive. In summary, the available evidence is currently insufficient to determine the role of this variant in disease. Therefore, it has been classified as a Variant of Uncertain Significance.

Ambry Genetics
Classification: Uncertain significance for Hereditary cancer-predisposing syndrome. Last evaluated: 2024-01-09. Review status: criteria provided, single submitter. Criteria: Ambry Variant Classification Scheme 2023. Collection method: clinical testing. Allele origin: germline.
Comment: The p.G342V variant (also known as c.1025G>T), located in coding exon 9 of the CHEK2 gene, results from a G to T substitution at nucleotide position 1025. The glycine at codon 342 is replaced by valine, an amino acid with dissimilar properties. This amino acid position is highly conserved in available vertebrate species. In addition, this alteration is predicted to be deleterious by in silico analysis. Since supporting evidence is limited at this time, the clinical significance of this alteration remains unclear.

Color Diagnostics, LLC DBA Color Health
Classification: Uncertain significance for Hereditary cancer-predisposing syndrome. Last evaluated: 2023-12-05. Review status: criteria provided, single submitter. Criteria: ACMG Guidelines, 2015. Collection method: clinical testing. Allele origin: germline.
Comment: This missense variant replaces glycine with valine at codon 342 of the CHEK2 protein. Computational prediction suggests that this variant may have deleterious impact on protein structure and function (internally defined REVEL score threshold >= 0.7, PMID: 27666373). To our knowledge, functional studies have not been reported for this variant. This variant has not been reported in individuals affected with CHEK2-related disorders in the literature. This variant has not been identified in the general population by the Genome Aggregation Database (gnomAD). The available evidence is insufficient to determine the role of this variant in disease conclusively. Therefore, this variant is classified as a Variant of Uncertain Significance.

NM_007194.4(CHEK2):c.1025G>T (p.Gly342Val)

Gene: CHEK2 (checkpoint kinase 2; minus strand). Cytogenetic location: 22q12.1.
Variant type: single nucleotide variant.
Coding change: c.1025G>T on transcript NM_007194.4 (MANE Select); coding-DNA position 1025, G replaced by T.
Protein change: p.Gly342Val; replaces glycine 342 with valine.
Molecular consequence: missense variant. On other transcripts: intron variant (3).
Genome position (GRCh38, 1-based): chr22:28,696,971, C>A on the plus strand (G>T on the coding strand, the complement: CHEK2 is on the minus strand). VCF-style: chr22-28696971-C-A. GRCh37 (hg19) VCF-style: chr22-29092959-C-A.
Other names: c.1154G>T, p.Gly385Val (NM_001005735.3); c.362G>T, p.Gly121Val (NM_001257387.3, NM_001437942.1); c.824G>T, p.Gly275Val (NM_001349956.3); c.1118G>T, p.Gly373Val (NM_001438293.1); c.1009-1098G>T (NM_145862.3); c.1102-1098G>T (NM_001438295.1); c.1138-1098G>T (NM_001438294.1); short protein forms G342V, G121V, G275V, G385V, G373V.
Identifiers: ClinVar variation 489869 (VCV000489869.15), dbSNP rs1555914358, ClinGen allele CA411097780.
Genomic context (GRCh38, chr22:28,696,971, plus strand): 5'-CAGTCCTCTTCTTGAGATGACAGTAAAACATTCTCTGGCTTTAAGTCACGGTGTATAATA[C>A]CGTTTTCATGAAGGTACTACACAGAAAGGCAGGCATGACCCTCAGATTCATGCAGTAGAT-3'
Protein context (NP_009125.1, residues 332-352): LLAVQYLHEN[Gly342Val]IIHRDLKPEN